The following is an entry in ClinVar:

NM_001267550.2(TTN):c.30389G>A (p.Arg10130His)

Gene: TTN (titin; minus strand). Cytogenetic location: 2q31.2.
Variant type: single nucleotide variant.
Coding change: c.30389G>A on transcript NM_001267550.2 (MANE Select); coding-DNA position 30389, G replaced by A.
Protein change: p.Arg10130His; replaces arginine 10130 with histidine.
Molecular consequence: missense variant. On other transcripts: intron variant (3).
Genome position (GRCh38, 1-based): chr2:178,702,498, C>T on the plus strand (G>A on the coding strand, the complement: TTN is on the minus strand). VCF-style: chr2-178702498-C-T. GRCh37 (hg19) VCF-style: chr2-179567225-C-T.
Other names: p.R9813H:CGC>CAC; p.Arg8886His; c.30389G>A (LRG_391t1); c.29438G>A, p.Arg9813His (NM_001256850.1); c.26657G>A, p.Arg8886His (NM_133378.4); c.13282+35584G>A (NM_003319.4); c.13858+35584G>A (NM_133437.4); c.13657+35584G>A (NM_133432.3); short protein forms R10130H, R9813H, R8886H.
Identifiers: ClinVar variation 202555 (VCV000202555.51), dbSNP rs373355159, ClinGen allele CA309575.
Genomic context (GRCh38, chr2:178,702,498, plus strand): 5'-CTGTCAATGAAATCACCTTCATCGTCTGGGGTCACATTGTGGATGGTCATATAATGGCAG[C>T]GGCCATCATTCCTGAAGTTGTATTTCTGGCTCTCTGTCAGTTCTGTTGGTCCTTTGTACC-3'
Protein context (NP_001254479.2, residues 10120-10140): SQKYNFRNDG[Arg10130His]CHYMTIHNVT

ClinVar aggregate classification (germline): Conflicting classifications of pathogenicity. Review status: criteria provided, conflicting classifications (1 of 4 stars). 23 submissions from 19 submitters: Uncertain significance (12); Benign (2); Likely benign (5). 4 of the submissions do not count toward it. Last evaluated 2025-11-09.

Conditions:
TTN-related disorder. Also called: TTN-related condition; TTN-related disease; TTN-related disorders.
Autosomal recessive limb-girdle muscular dystrophy type 2J (LGMDR10). Also called: Limb-girdle muscular dystrophy, type 2J; MUSCULAR DYSTROPHY, LIMB-GIRDLE, AUTOSOMAL RECESSIVE 10. Identifiers: Orphanet 140922, MedGen C1837342, MONDO:0012127, OMIM 608807.
Dilated cardiomyopathy 1G (CMD1G). Identifiers: Orphanet 154, MedGen C1858763, MONDO:0011400, OMIM 604145.
Early-onset myopathy with fatal cardiomyopathy (CMYO5). Also called: Salih Myopathy; CONGENITAL MYOPATHY 5 WITH CARDIOMYOPATHY. Identifiers: Orphanet 289377, MedGen C2673677, MONDO:0012714, OMIM 611705. Disease mechanism: loss of function.
Myopathy, myofibrillar, 9, with early respiratory failure (MFM9). Also called: EDSTROM MYOPATHY; MYOPATHY, PROXIMAL, WITH EARLY RESPIRATORY MUSCLE INVOLVEMENT; Myopathy, distal, with early respiratory failure, autosomal dominant; Hereditary myopathy with early respiratory failure. Identifiers: Orphanet 178464, Orphanet 34521, MedGen C1863599, MONDO:0011362, OMIM 603689.
Tibial muscular dystrophy (TMD). Also called: Tibial muscular dystrophy, tardive; UDD MYOPATHY; Udd Distal Myopathy – Tibial Muscular Dystrophy. Identifiers: Orphanet 609, MedGen C1838244, MONDO:0010870, OMIM 600334.
Hypertrophic cardiomyopathy 9. Also called: Familial hypertrophic cardiomyopathy 9. Identifiers: MedGen C1861065, MONDO:0013412, OMIM 613765.
Cardiomyopathy (CMYO). Also called: Cardiomyopathies. Identifiers: Orphanet 167848, MedGen C0878544, MONDO:0004994, HP:0001638. Inheritance: Various modes of inheritance.
Generalized hypotonia. Identifiers: MedGen C1858120, HP:0001290.
Delayed speech and language development. Also called: Language delay. Identifiers: MedGen C0454644, HP:0000750.
Abnormal speech pattern. Also called: Neurological speech impairment; Speech impairment. Identifiers: MedGen C3687424, HP:0002167.
Abnormality of eye movement. Identifiers: MedGen C0497202, HP:0000496.
Hypotonia. Also called: Muscular hypotonia; poor muscle tone. Identifiers: MedGen C0026827, HP:0001252.
Delayed gross motor development. Identifiers: MedGen C1837658, HP:0002194.

Allele frequency attached by ClinVar (database versions not stated): ESP Exome Variant Server 0.00016; gnomAD 0.00019 and 0.00020; gnomAD exomes 0.00020 and 0.00033; TOPMed 0.00020; ExAC 0.00023.
gnomAD v4.1: 504 of 1,613,806 alleles (0.031%); highest among the groups gnomAD compares: Non-Finnish European, 0.039%; no homozygotes.

Submissions 1 to 16 of 23:

Mayo Clinic Laboratories, Mayo Clinic
Classification: Uncertain significance. Last evaluated: 2025-11-09. Review status: criteria provided, single submitter. Criteria: ACMG Guidelines, 2015. Collection method: clinical testing. Allele origin: germline. Observed: 3 variant alleles.

PreventionGenetics, part of Exact Sciences
Classification: Likely benign for TTN-related condition. Last evaluated: 2025-10-02. Review status: criteria provided, single submitter. Criteria: ACMG Guidelines, 2015. Collection method: clinical testing. Allele origin: germline.
Comment: This variant is classified as likely benign based on ACMG/AMP sequence variant interpretation guidelines (Richards et al. 2015 PMID: 25741868, with internal and published modifications).

Molecular Diagnostic Laboratory for Inherited Cardiovascular Disease, Montreal Heart Institute
Classification: Likely benign. Last evaluated: 2025-07-24. Review status: criteria provided, single submitter. Criteria: ACMG Guidelines, 2015. Collection method: clinical testing. Allele origin: germline. Affected: no.
Comment: BP1

Athena Diagnostics
Classification: Uncertain significance. Last evaluated: 2025-06-27. Review status: criteria provided, single submitter. Criteria: Athena Diagnostics Criteria. Collection method: clinical testing. Allele origin: unknown.
Comment: Available data are insufficient to determine the clinical significance of the variant at this time. The frequency of this variant in the general population is higher than would generally be expected for pathogenic variants in this gene. Polyphen and MutationTaster yielded discordant predictions regarding whether this amino acid change is damaging to the protein.

Blueprint Genetics
Classification: Likely benign. Last evaluated: 2024-10-17. Review status: criteria provided, single submitter. Criteria: ACMG Guidelines, 2015. Collection method: clinical testing. Allele origin: germline.

CeGaT Center for Human Genetics Tuebingen
Classification: Uncertain significance. Last evaluated: 2023-10-01. Review status: criteria provided, single submitter. Criteria: CeGaT Center For Human Genetics Tuebingen Variant Classification Criteria Version 2. Collection method: clinical testing. Allele origin: germline. Affected: yes. Observed: 1 variant allele.
Comment: TTN: PM2

CHEO Genetics Diagnostic Laboratory, Children's Hospital of Eastern Ontario
Classification: Likely benign for Cardiomyopathy. Last evaluated: 2023-05-16. Review status: criteria provided, single submitter. Criteria: ACMG Guidelines, 2015. Collection method: clinical testing. Allele origin: germline.

Revvity Omics, Revvity
Classification: Uncertain significance. Last evaluated: 2023-03-24. Review status: criteria provided, single submitter. Criteria: ACMG Guidelines, 2015. Collection method: clinical testing. Allele origin: germline.

Women's Health and Genetics/Laboratory Corporation of America, LabCorp
Classification: Uncertain significance. Last evaluated: 2022-08-08. Review status: criteria provided, single submitter. Criteria: LabCorp Variant Classification Summary - May 2015. Collection method: clinical testing. Allele origin: germline.
Comment: Variant summary: TTN c.26657G>A (p.Arg8886His) results in a non-conservative amino acid change located in the I-band region, Ig-like domain of the encoded protein sequence. Two of three in-silico tools predict a damaging effect of the variant on protein function. The variant allele was found at a frequency of 0.0002 in 280666 control chromosomes (gnomAD). This frequency is not significantly higher than expected for a pathogenic variant in TTN causing Dilated Cardiomyopathy (0.0002 vs 0.00039), allowing no conclusion about variant significance. c.26657G>A has been reported in the literature in individuals affected with Dilated Cardiomyopathy (Minoche_2019), Hypertrophic Cardiomyopathy (Forleo_2017) and Sudden Arrhythmic Death (Nunn_2016) without strong evidence for causality. Therefore, these reports do not provide unequivocal conclusions about association of the variant with Dilated Cardiomyopathy. To our knowledge, no experimental evidence demonstrating an impact on protein function has been reported. Seven ClinVar submitters have assessed the variant since 2014: one classified the variant as likely benign and six as of uncertain significance. Based on the evidence outlined above, the variant was classified as uncertain significance.

GeneDx
Classification: Likely benign. Last evaluated: 2021-05-11. Review status: criteria provided, single submitter. Criteria: GeneDx Variant Classification Process June 2021. Collection method: clinical testing. Allele origin: germline. Affected: yes.
Comment: This variant is associated with the following publications: (PMID: 24459294)

Knight Diagnostic Laboratories, Oregon Health and Sciences University
Classification: Uncertain significance for Delayed gross motor development; Delayed speech and language development; Abnormal speech pattern; Generalized hypotonia; Abnormality of eye movement; Hypotonia. Last evaluated: 2019-03-04. Review status: criteria provided, single submitter. Criteria: ACMG Guidelines, 2015. Collection method: clinical testing. Allele origin: germline. Observed: 1 variant allele.

Fulgent Genetics
Classification: Uncertain significance for Tibial muscular dystrophy; Myopathy, myofibrillar, 9, with early respiratory failure; Dilated cardiomyopathy 1G; Autosomal recessive limb-girdle muscular dystrophy type 2J; Early-onset myopathy with fatal cardiomyopathy; Hypertrophic cardiomyopathy 9. Last evaluated: 2018-10-31. Review status: criteria provided, single submitter. Criteria: ACMG Guidelines, 2015. Collection method: clinical testing. Allele origin: unknown.

Eurofins Ntd Llc (ga)
Classification: Uncertain significance. Last evaluated: 2018-07-30. Review status: criteria provided, single submitter. Criteria: EGL ClinVar v180209 classification definitions. Collection method: clinical testing. Allele origin: germline. Observed: 3 variant alleles, 3 heterozygotes.

Illumina Laboratory Services, Illumina
Classification: Uncertain significance for Early-onset myopathy with fatal cardiomyopathy. Last evaluated: 2018-01-12. Review status: criteria provided, single submitter. Criteria: ICSL Variant Classification Criteria 13 December 2019. Collection method: clinical testing. Allele origin: germline.

Illumina Laboratory Services, Illumina
Classification: Uncertain significance for Dilated cardiomyopathy 1G. Last evaluated: 2018-01-12. Review status: criteria provided, single submitter. Criteria: ICSL Variant Classification Criteria 13 December 2019. Collection method: clinical testing. Allele origin: germline.

Illumina Laboratory Services, Illumina
Classification: Uncertain significance for Autosomal recessive limb-girdle muscular dystrophy type 2J. Last evaluated: 2018-01-12. Review status: criteria provided, single submitter. Criteria: ICSL Variant Classification Criteria 13 December 2019. Collection method: clinical testing. Allele origin: germline.